The following is an entry in ClinVar:

ClinVar aggregate classification (germline): Uncertain significance (1 of 4 stars; one submission).

Conditions:
Symmetrical dyschromatosis of extremities (DSH). Also called: Dyschromatosis symmetrica hereditaria; RETICULATE ACROPIGMENTATION OF DOHI; SYMMETRIC DYSCHROMATOSIS OF THE EXTREMITIES; DYSCHROMATOSIS SYMMETRICA HEREDITARIA 1. Identifiers: Orphanet 41, MedGen C0406775, MONDO:0007483, OMIM 127400.
Aicardi-Goutieres syndrome 6 (AGS6). Identifiers: Orphanet 51, MedGen C3539013, MONDO:0014007, OMIM 615010.

Allele frequency attached by ClinVar (database versions not stated): gnomAD exomes below 0.00001; ESP Exome Variant Server 0.00008.

Submission:

Labcorp Genetics (formerly Invitae), Labcorp
Classification: Uncertain significance for Aicardi-Goutieres syndrome 6; Symmetrical dyschromatosis of extremities. Last evaluated: 2020-10-08. Review status: criteria provided, single submitter. Criteria: Invitae Variant Classification Sherloc (09022015). Collection method: clinical testing. Allele origin: germline.
Comment: In summary, the available evidence is currently insufficient to determine the role of this variant in disease. Therefore, it has been classified as a Variant of Uncertain Significance. Algorithms developed to predict the effect of missense changes on protein structure and function are either unavailable or do not agree on the potential impact of this missense change (SIFT: "Tolerated"; PolyPhen-2: "Probably Damaging"; Align-GVGD: "Class C0"). This variant has not been reported in the literature in individuals with ADAR-related conditions. This variant is not present in population databases (ExAC no frequency). This sequence change replaces serine with proline at codon 1181 of the ADAR protein (p.Ser1181Pro). The serine residue is highly conserved and there is a moderate physicochemical difference between serine and proline.

NM_001111.5(ADAR):c.3541T>C (p.Ser1181Pro)

Gene: ADAR (adenosine deaminase RNA specific; minus strand). Cytogenetic location: 1q21.3.
Variant type: single nucleotide variant.
Coding change: c.3541T>C on transcript NM_001111.5 (MANE Select); coding-DNA position 3541, T replaced by C.
Protein change: p.Ser1181Pro; replaces serine 1181 with proline.
Molecular consequence: missense variant.
Genome position (GRCh38, 1-based): chr1:154,584,946, A>G on the plus strand (T>C on the coding strand, the complement: ADAR is on the minus strand). VCF-style: chr1-154584946-A-G. GRCh37 (hg19) VCF-style: chr1-154557422-A-G.
Other names: c.2656T>C, p.Ser886Pro (NM_001025107.3, NM_001193495.2, NM_001365046.1 and 2 more transcripts); c.3568T>C, p.Ser1190Pro (NM_001365045.1); c.2578T>C, p.Ser860Pro (NM_001365049.1); c.3463T>C, p.Ser1155Pro (NM_015840.4); c.3406T>C, p.Ser1136Pro (NM_015841.4); short protein forms S1136P, S1155P, S1181P, S1190P, S860P, S886P.
Identifiers: ClinVar variation 1059983 (VCV001059983.9), dbSNP rs374282086, ClinGen allele CA30848642.
Genomic context (GRCh38, chr1:154,584,946, plus strand): 5'-TTTTGAAGTAGTTCTTGGCCGTCTCGTAGTCACGGGCAGCTTTCTTGGCCTCACCATAGG[A>G]GAGTCTCAGTAGATCCCTGCGGTAACGGAAGGAGCAGAGCTTCTTAAATAGAAGAAAAAT-3'
Protein context (NP_001102.3, residues 1171-1191): FRYRRDLLRL[Ser1181Pro]YGEAKKAARD